The following is an entry in ClinVar:

ClinVar aggregate classification (germline): Uncertain significance (1 of 4 stars; one submission).

Conditions:
IMPDH1-related disorder. Also called: IMPDH1-related disorders; IMPDH1-related condition.

gnomAD v4.1: 1 of 1,613,842 alleles (0.000062%); highest among the groups gnomAD compares: African/African-American, 0.0013%; no homozygotes.

Submission:

PreventionGenetics, part of Exact Sciences
Classification: Uncertain significance for IMPDH1-related condition. Last evaluated: 2025-08-29. Review status: criteria provided, single submitter. Criteria: ACMG Guidelines, 2015. Collection method: clinical testing. Allele origin: germline.
Comment: The IMPDH1 c.358T>C variant is predicted to result in the amino acid substitution p.Phe120Leu. To our knowledge, this variant has not been reported in the literature or in a large population database (gnomAD), indicating this variant is rare. At this time, the clinical significance of this variant is uncertain due to the absence of conclusive functional and genetic evidence.

NM_000883.4(IMPDH1):c.358T>C (p.Phe120Leu)

Gene: IMPDH1 (inosine monophosphate dehydrogenase 1; minus strand). Cytogenetic location: 7q32.1.
Variant type: single nucleotide variant.
Coding change: c.358T>C on transcript NM_000883.4 (MANE Select); coding-DNA position 358, T replaced by C.
Protein change: p.Phe120Leu; replaces phenylalanine 120 with leucine.
Molecular consequence: missense variant.
Genome position (GRCh38, 1-based): chr7:128,403,750, A>G on the plus strand (T>C on the coding strand, the complement: IMPDH1 is on the minus strand). VCF-style: chr7-128403750-A-G. GRCh37 (hg19) VCF-style: chr7-128043804-A-G.
Other names: c.328T>C, p.Phe110Leu (NM_001102605.2); c.103T>C, p.Phe35Leu (NM_001142573.2, NM_001142574.2, NM_001142575.2); c.259T>C, p.Phe87Leu (NM_001142576.2); c.151T>C, p.Phe51Leu (NM_001304521.2); c.250T>C, p.Phe84Leu (NM_183243.3); short protein forms F120L, F35L, F84L, F87L, F110L, F51L.
Identifiers: ClinVar variation 4988566 (VCV004988566.1).
Genomic context (GRCh38, chr7:128,403,750, plus strand): 5'-AGGAAGAGGTACTCACCACCTCATCAGCTATGAAGTCTATGAATCCTGGGAGAATCAGGA[A>G]GTCGCTGTGAAGACAGAGAAGTGAGTGTTATTAGTGGGGAGGGGTGCCCCAAAGGGGCAG-3'
Protein context (NP_000874.2, residues 110-130): ASADGLTYND[Phe120Leu]LILPGFIDFI